The following is an entry in ClinVar:

NM_012144.4(DNAI1):c.619C>T (p.Arg207Trp)

Gene: DNAI1 (dynein axonemal intermediate chain 1; plus strand). Cytogenetic location: 9p13.3.
Variant type: single nucleotide variant.
Coding change: c.619C>T on transcript NM_012144.4 (MANE Select); coding-DNA position 619, C replaced by T.
Protein change: p.Arg207Trp; replaces arginine 207 with tryptophan.
Molecular consequence: missense variant.
Genome position (GRCh38, 1-based): chr9:34,490,486, C>T. VCF-style: chr9-34490486-C-T. GRCh37 (hg19) VCF-style: chr9-34490484-C-T.
Other names: c.631C>T, p.Arg211Trp (NM_001281428.2); short protein forms R211W, R207W.
Identifiers: ClinVar variation 640064 (VCV000640064.6), dbSNP rs749119217, ClinGen allele CA5034109.

ClinVar aggregate classification (germline): Uncertain significance. Review status: criteria provided, multiple submitters, no conflicts (2 of 4 stars). 3 submissions from 3 submitters: Uncertain significance (2). 1 of the submissions does not count toward it. Last evaluated 2024-04-09.

Conditions:
Primary ciliary dyskinesia. Also called: Ciliary dyskinesia. Identifiers: Orphanet 244, MedGen C0008780, MONDO:0016575, HP:0012265.

Allele frequency attached by ClinVar (database versions not stated): gnomAD exomes 0.00006; gnomAD 0.00001; TOPMed 0.00001; ExAC 0.00005.
gnomAD v4.1: 92 of 1,613,950 alleles (0.0057%); highest among the groups gnomAD compares: Non-Finnish European, 0.0069%; no homozygotes.

Submissions (3):

Blueprint Genetics
Classification: Uncertain significance. Last evaluated: 2024-04-09. Review status: criteria provided, single submitter. Criteria: ACMG Guidelines, 2015. Collection method: clinical testing. Allele origin: germline.

Labcorp Genetics (formerly Invitae), Labcorp
Classification: Uncertain significance for Primary ciliary dyskinesia. Last evaluated: 2022-09-01. Review status: criteria provided, single submitter. Criteria: Invitae Variant Classification Sherloc (09022015). Collection method: clinical testing. Allele origin: germline.
Comment: This sequence change replaces arginine, which is basic and polar, with tryptophan, which is neutral and slightly polar, at codon 207 of the DNAI1 protein (p.Arg207Trp). This variant is present in population databases (rs749119217, gnomAD 0.01%). This variant has not been reported in the literature in individuals affected with DNAI1-related conditions. ClinVar contains an entry for this variant (Variation ID: 640064). Algorithms developed to predict the effect of missense changes on protein structure and function are either unavailable or do not agree on the potential impact of this missense change (SIFT: "Deleterious"; PolyPhen-2: "Probably Damaging"; Align-GVGD: "Class C0"). Algorithms developed to predict the effect of sequence changes on RNA splicing suggest that this variant may create or strengthen a splice site. In summary, the available evidence is currently insufficient to determine the role of this variant in disease. Therefore, it has been classified as a Variant of Uncertain Significance.

Natera, Inc.
Classification: Uncertain significance for Primary ciliary dyskinesia. Last evaluated: 2020-09-16. Review status: no assertion criteria provided. Collection method: clinical testing. Allele origin: germline. Not counted in ClinVar's aggregate classification.